The following is an entry in ClinVar:

ClinVar aggregate classification (germline): Uncertain significance (1 of 4 stars; one submission).

Conditions:
Fanconi anemia (FA). Also called: Fanconi's anemia. Identifiers: Orphanet 84, MedGen C0015625, MeSH D005199, MONDO:0019391.

Submission:

Labcorp Genetics (formerly Invitae), Labcorp
Classification: Uncertain significance for Fanconi anemia. Last evaluated: 2024-06-04. Review status: criteria provided, single submitter. Criteria: Invitae Variant Classification Sherloc (09022015). Collection method: clinical testing. Allele origin: germline.
Comment: This sequence change replaces alanine, which is neutral and non-polar, with threonine, which is neutral and polar, at codon 1286 of the SLX4 protein (p.Ala1286Thr). This variant is not present in population databases (gnomAD no frequency). This variant has not been reported in the literature in individuals affected with SLX4-related conditions. An algorithm developed to predict the effect of missense changes on protein structure and function (PolyPhen-2) suggests that this variant is likely to be tolerated. In summary, the available evidence is currently insufficient to determine the role of this variant in disease. Therefore, it has been classified as a Variant of Uncertain Significance.

NM_032444.4(SLX4):c.3856G>A (p.Ala1286Thr)

Gene: SLX4 (SLX4 structure-specific endonuclease subunit; minus strand). Cytogenetic location: 16p13.3.
Variant type: single nucleotide variant.
Coding change: c.3856G>A on transcript NM_032444.4 (MANE Select); coding-DNA position 3856, G replaced by A.
Protein change: p.Ala1286Thr; replaces alanine 1286 with threonine.
Molecular consequence: missense variant.
Genome position (GRCh38, 1-based): chr16:3,589,782, C>T on the plus strand (G>A on the coding strand, the complement: SLX4 is on the minus strand). VCF-style: chr16-3589782-C-T. GRCh37 (hg19) VCF-style: chr16-3639783-C-T.
Other names: short protein forms A1286T.
Identifiers: ClinVar variation 2753467 (VCV002753467.3), dbSNP rs2151122633, ClinGen allele CA394519092.